The following is an entry in ClinVar:

NM_001170629.2(CHD8):c.5597A>G (p.Asp1866Gly)

Gene: CHD8 (chromodomain helicase DNA binding protein 8; minus strand). Cytogenetic location: 14q11.2.
Variant type: single nucleotide variant.
Coding change: c.5597A>G on transcript NM_001170629.2 (MANE Select); coding-DNA position 5597, A replaced by G.
Protein change: p.Asp1866Gly; replaces aspartic acid 1866 with glycine.
Molecular consequence: missense variant.
Genome position (GRCh38, 1-based): chr14:21,394,279, T>C on the plus strand (A>G on the coding strand, the complement: CHD8 is on the minus strand). VCF-style: chr14-21394279-T-C. GRCh37 (hg19) VCF-style: chr14-21862438-T-C.
Other names: c.4760A>G, p.Asp1587Gly (NM_020920.4); short protein forms D1587G, D1866G.
Identifiers: ClinVar variation 4279676 (VCV004279676.1).

ClinVar aggregate classification (germline): Uncertain significance (1 of 4 stars; one submission).

Conditions:
Intellectual developmental disorder with autism and macrocephaly. Also called: Autism, susceptibility to, 18; CHD8-Related Neurodevelopmental Disorder with Overgrowth. Identifiers: Orphanet 642675, MedGen C3554373, MONDO:0014017, OMIM 615032.

gnomAD v4.1: 2 of 1,613,898 alleles (0.00012%); highest among the groups gnomAD compares: Non-Finnish European, 0.00017%; no homozygotes.

Submission:

Daryl Scott Lab, Baylor College of Medicine
Classification: Uncertain significance for Intellectual developmental disorder with autism and macrocephaly. Review status: criteria provided, single submitter. Criteria: ACMG Guidelines, 2015. Collection method: clinical testing. Allele origin: paternal. Affected: yes. Observed: 1 heterozygote.
Comment: PM2, PP3